The following is an entry in ClinVar:

NM_000535.7(PMS2):c.2192T>A (p.Leu731Ter)

Gene: PMS2 (PMS1 homolog 2, mismatch repair system component; minus strand). Cytogenetic location: 7p22.1.
Variant type: single nucleotide variant.
Coding change: c.2192T>A on transcript NM_000535.7 (MANE Select); coding-DNA position 2192, T replaced by A.
Protein change: p.Leu731Ter; replaces leucine 731 with a stop codon.
Molecular consequence: nonsense. On other transcripts: non-coding transcript variant (1).
Genome position (GRCh38, 1-based): chr7:5,978,679, A>T on the plus strand (T>A on the coding strand, the complement: PMS2 is on the minus strand). VCF-style: chr7-5978679-A-T. GRCh37 (hg19) VCF-style: chr7-6018310-A-T.
Other names: c.1787T>A, p.Leu596Ter (NM_001322003.2, NM_001322004.2, NM_001322005.2 and 1 more transcripts); c.2036T>A, p.Leu679Ter (NM_001322006.2); c.1874T>A, p.Leu625Ter (NM_001322007.2, NM_001322008.2); c.1631T>A, p.Leu544Ter (NM_001322010.2); c.1259T>A, p.Leu420Ter (NM_001322011.2, NM_001322012.2); c.1619T>A, p.Leu540Ter (NM_001322013.2); c.2192T>A, p.Leu731Ter (NM_001322014.2); c.1883T>A, p.Leu628Ter (NM_001322015.2); short protein forms L731*, L540*, L596*, L679*, L625*, L628*, L420*, L544*.
Identifiers: ClinVar variation 480369 (VCV000480369.6), dbSNP rs1060503110, ClinGen allele CA366736899.

ClinVar aggregate classification (germline): Pathogenic. Review status: criteria provided, multiple submitters, no conflicts (2 of 4 stars). 2 submissions from 2 submitters: Pathogenic (2). Last evaluated 2023-09-22.

Conditions:
Hereditary cancer-predisposing syndrome. Also called: Hereditary Cancer Syndrome; Neoplastic Syndromes, Hereditary; Tumor predisposition; Hereditary neoplastic syndrome. Identifiers: Orphanet 140162, MedGen C0027672, MeSH D009386, MONDO:0015356.
Lynch syndrome 4 (LYNCH4). Also called: Colorectal cancer, hereditary nonpolyposis, type 4; Hereditary non-polyposis colorectal cancer, type 4. Identifiers: Orphanet 144, MedGen C1838333, MONDO:0013699, OMIM 614337. Disease mechanism: loss of function.

Submissions (2):

Myriad Genetics, Inc.
Classification: Pathogenic for Lynch syndrome 4. Last evaluated: 2023-09-22. Review status: criteria provided, single submitter. Criteria: Myriad Autosomal Dominant, Autosomal Recessive and X-Linked Classification Criteria (2023). Collection method: clinical testing. Allele origin: unknown.
Comment: This variant is considered pathogenic. This variant creates a termination codon and is predicted to result in premature protein truncation.

Ambry Genetics
Classification: Pathogenic for Hereditary cancer-predisposing syndrome. Last evaluated: 2018-03-27. Review status: criteria provided, single submitter. Criteria: Ambry Variant Classification Scheme 2023. Collection method: clinical testing. Allele origin: germline.
Comment: The p.L731* pathogenic mutation (also known as c.2192T>A), located in coding exon 13 of the PMS2 gene, results from a T to A substitution at nucleotide position 2192. This changes the amino acid from a leucine to a stop codon within coding exon 13. One study identified a different alteration leading to the same premature stop codon, p.L731* (c.2192T>G), in three Jewish families from Iran with Lynch syndrome (Goldberg Y et al. Clin. Genet., 2015 Jun;87:549-53). In addition to the clinical data presented in the literature, this alteration is expected to result in loss of function by premature protein truncation or nonsense-mediated mRNA decay. As such, this alteration is interpreted as a disease-causing mutation.

Literature cited by the submitters: PubMed 25430799 (cited by Ambry Genetics).